The following is an entry in ClinVar:

NM_020376.4(PNPLA2):c.1105C>T (p.Gln369Ter)

Gene: PNPLA2 (patatin like domain 2, triacylglycerol lipase; plus strand). Cytogenetic location: 11p15.5.
Variant type: single nucleotide variant.
Coding change: c.1105C>T on transcript NM_020376.4 (MANE Select); coding-DNA position 1105, C replaced by T.
Protein change: p.Gln369Ter; replaces glutamine 369 with a stop codon.
Molecular consequence: nonsense.
Genome position (GRCh38, 1-based): chr11:824,366, C>T. VCF-style: chr11-824366-C-T. GRCh37 (hg19) VCF-style: chr11-824366-C-T.
Other names: short protein forms Q369*.
Identifiers: ClinVar variation 3626964 (VCV003626964.2).
Genomic context (GRCh38, chr11:824,366, plus strand): 5'-GTCCCCAGCTTGCTGGAGTGGCTGCCCGACGTTCCCGAGGACATCCGGTGGATGAAGGAG[C>T]AGACGGGCAGCATCTGCCAGTACCTGGTGATGCGCGCCAAGAGGAAGCTGGGCAGGCACC-3'

ClinVar aggregate classification (germline): Pathogenic (1 of 4 stars; one submission).

Conditions:
Neutral lipid storage myopathy (NLSDM). Also called: NEUTRAL LIPID STORAGE DISEASE WITHOUT ICHTHYOSIS. Identifiers: Orphanet 98908, MedGen C1853136, MONDO:0012545, OMIM 610717.

Submission:

Labcorp Genetics (formerly Invitae), Labcorp
Classification: Pathogenic for Neutral lipid storage myopathy. Last evaluated: 2024-03-23. Review status: criteria provided, single submitter. Criteria: Invitae Variant Classification Sherloc (09022015). Collection method: clinical testing. Allele origin: germline.
Comment: This sequence change creates a premature translational stop signal (p.Gln369*) in the PNPLA2 gene. It is expected to result in an absent or disrupted protein product. Loss-of-function variants in PNPLA2 are known to be pathogenic (PMID: 17187067). This variant is not present in population databases (gnomAD no frequency). This variant has not been reported in the literature in individuals affected with PNPLA2-related conditions. For these reasons, this variant has been classified as Pathogenic.

Literature cited by the submitters: PubMed 17187067.